The following is an entry in ClinVar:

ClinVar aggregate classification (germline): Uncertain significance (1 of 4 stars; one submission).

Conditions:
Early-onset Parkinson disease 20. Also called: PARKINSON DISEASE 20, AUTOSOMAL RECESSIVE EARLY-ONSET. Identifiers: Orphanet 391411, MedGen C3809824, MONDO:0014233, OMIM 615530.
Developmental and epileptic encephalopathy, 53. Also called: Epileptic encephalopathy, early infantile, 53. Identifiers: MedGen C4479313, MONDO:0033362, OMIM 617389.

gnomAD v4.1: 1 of 1,614,236 alleles (0.000062%); highest among the groups gnomAD compares: Non-Finnish European, 0.000085%; no homozygotes.

Submission:

Labcorp Genetics (formerly Invitae), Labcorp
Classification: Uncertain significance for Developmental and epileptic encephalopathy, 53; Early-onset Parkinson disease 20. Last evaluated: 2019-06-27. Review status: criteria provided, single submitter. Criteria: Invitae Variant Classification Sherloc (09022015). Collection method: clinical testing. Allele origin: germline.
Comment: This sequence change replaces glutamine with arginine at codon 1396 of the SYNJ1 protein (p.Gln1396Arg). The glutamine residue is moderately conserved and there is a small physicochemical difference between glutamine and arginine. This variant is not present in population databases (ExAC no frequency). This variant has not been reported in the literature in individuals with SYNJ1-related conditions. Algorithms developed to predict the effect of missense changes on protein structure and function (SIFT, PolyPhen-2, Align-GVGD) all suggest that this variant is likely to be tolerated, but these predictions have not been confirmed by published functional studies and their clinical significance is uncertain. In summary, the available evidence is currently insufficient to determine the role of this variant in disease. Therefore, it has been classified as a Variant of Uncertain Significance.

NM_203446.3(SYNJ1):c.*158A>G

Gene: SYNJ1 (synaptojanin 1; minus strand). Cytogenetic location: 21q22.11.
Variant type: single nucleotide variant.
Coding change: c.*158A>G on transcript NM_203446.3 (MANE Select); 158 bases downstream of the stop codon, A replaced by G.
Molecular consequence: 3 prime UTR variant. On other transcripts: missense variant (2).
Genome position (GRCh38, 1-based): chr21:32,631,647, T>C on the plus strand (A>G on the coding strand, the complement: SYNJ1 is on the minus strand). VCF-style: chr21-32631647-T-C. GRCh37 (hg19) VCF-style: chr21-34003957-T-C.
Other names: c.*158A>G (NM_001160302.2); c.3929A>G, p.Gln1310Arg (NM_001160306.2); c.4187A>G, p.Gln1396Arg (NM_003895.4); short protein forms Q1310R, Q1396R.
Identifiers: ClinVar variation 949578 (VCV000949578.10), dbSNP rs1340359289, ClinGen allele CA410082797.